The following is an entry in ClinVar:

ClinVar aggregate classification (germline): Uncertain significance. Review status: criteria provided, multiple submitters, no conflicts (2 of 4 stars). 2 submissions from 2 submitters: Uncertain significance (2). Last evaluated 2022-07-01.

Conditions:
L-2-hydroxyglutaric aciduria (L2HGA). Identifiers: Orphanet 79314, MedGen C1855995, MONDO:0009370, OMIM 236792, HP:0040144.

Allele frequency attached by ClinVar (database versions not stated): gnomAD 0.00004; gnomAD exomes 0.00004 and 0.00005; ExAC 0.00007; TOPMed 0.00009.
gnomAD v4.1: 72 of 1,613,648 alleles (0.0045%); highest among the groups gnomAD compares: Non-Finnish European, 0.0057%; no homozygotes.

Submissions (2):

Labcorp Genetics (formerly Invitae), Labcorp
Classification: Uncertain significance for L-2-hydroxyglutaric aciduria. Last evaluated: 2022-07-01. Review status: criteria provided, single submitter. Criteria: Invitae Variant Classification Sherloc (09022015). Collection method: clinical testing. Allele origin: germline.
Comment: This sequence change replaces glycine, which is neutral and non-polar, with aspartic acid, which is acidic and polar, at codon 160 of the L2HGDH protein (p.Gly160Asp). This variant is present in population databases (rs761645660, gnomAD 0.009%). This variant has not been reported in the literature in individuals affected with L2HGDH-related conditions. ClinVar contains an entry for this variant (Variation ID: 435696). Algorithms developed to predict the effect of missense changes on protein structure and function (SIFT, PolyPhen-2, Align-GVGD) all suggest that this variant is likely to be tolerated. In summary, the available evidence is currently insufficient to determine the role of this variant in disease. Therefore, it has been classified as a Variant of Uncertain Significance.

Genetic Services Laboratory, University of Chicago
Classification: Uncertain significance. Last evaluated: 2016-03-25. Review status: criteria provided, single submitter. Criteria: ACMG Guidelines, 2015. Collection method: clinical testing. Allele origin: germline. Affected: no.

NM_024884.3(L2HGDH):c.479G>A (p.Gly160Asp)

Gene: L2HGDH (L-2-hydroxyglutarate dehydrogenase; minus strand). Cytogenetic location: 14q21.3.
Variant type: single nucleotide variant.
Coding change: c.479G>A on transcript NM_024884.3 (MANE Select); coding-DNA position 479, G replaced by A.
Protein change: p.Gly160Asp; replaces glycine 160 with aspartic acid.
Molecular consequence: missense variant.
Genome position (GRCh38, 1-based): chr14:50,294,176, C>T on the plus strand (G>A on the coding strand, the complement: L2HGDH is on the minus strand). VCF-style: chr14-50294176-C-T. GRCh37 (hg19) VCF-style: chr14-50760894-C-T.
Other names: short protein forms G160D.
Identifiers: ClinVar variation 435696 (VCV000435696.7), dbSNP rs761645660, ClinGen allele CA7178012.